The following is an entry in ClinVar:

ClinVar aggregate classification (germline): Uncertain significance (1 of 4 stars; one submission).

Allele frequency attached by ClinVar (database versions not stated): gnomAD exomes below 0.00001; TOPMed below 0.00001; ExAC 0.00001; gnomAD 0.00001.
gnomAD v4.1: 5 of 1,604,086 alleles (0.00031%); highest among the groups gnomAD compares: Non-Finnish European, 0.00043%; no homozygotes.

Submission:

Labcorp Genetics (formerly Invitae), Labcorp
Classification: Uncertain significance. Last evaluated: 2024-10-17. Review status: criteria provided, single submitter. Criteria: Invitae Variant Classification Sherloc (09022015). Collection method: clinical testing. Allele origin: germline.
Comment: This sequence change falls in intron 3 of the QRSL1 gene. It does not directly change the encoded amino acid sequence of the QRSL1 protein. It affects a nucleotide within the consensus splice site. This variant is present in population databases (rs771724047, gnomAD 0.002%). This variant has not been reported in the literature in individuals affected with QRSL1-related conditions. ClinVar contains an entry for this variant (Variation ID: 2152560). Variants that disrupt the consensus splice site are a relatively common cause of aberrant splicing (PMID: 17576681, 9536098). Algorithms developed to predict the effect of sequence changes on RNA splicing suggest that this variant is not likely to affect RNA splicing. In summary, the available evidence is currently insufficient to determine the role of this variant in disease. Therefore, it has been classified as a Variant of Uncertain Significance.

Literature cited by the submitters: PubMed 17576681; PubMed 9536098.

NM_018292.5(QRSL1):c.283+3A>G

Gene: QRSL1 (glutaminyl-tRNA amidotransferase subunit QRSL1; plus strand). Cytogenetic location: 6q21.
Variant type: single nucleotide variant.
Coding change: c.283+3A>G on transcript NM_018292.5 (MANE Select); 3 bases into the intron after coding-DNA position 283, A replaced by G.
Molecular consequence: intron variant.
Genome position (GRCh38, 1-based): chr6:106,640,924, A>G. VCF-style: chr6-106640924-A-G. GRCh37 (hg19) VCF-style: chr6-107088799-A-G.
Identifiers: ClinVar variation 2152560 (VCV002152560.3), dbSNP rs771724047, ClinGen allele CA3944709.